The following is an entry in ClinVar:

ClinVar aggregate classification (germline): Likely pathogenic (1 of 4 stars; one submission).

Conditions:
Cystic fibrosis (CF). Also called: MUCOVISCIDOSIS. Identifiers: Orphanet 586, MedGen C0010674, MONDO:0009061, OMIM 219700. Disease mechanism: loss of function.

Submission:

Women's Health and Genetics/Laboratory Corporation of America, LabCorp
Classification: Likely pathogenic for Cystic fibrosis. Last evaluated: 2023-11-06. Review status: criteria provided, single submitter. Criteria: LabCorp Variant Classification Summary - May 2015. Collection method: clinical testing. Allele origin: germline.
Comment: Variant summary: The variant involves the duplication of exon 25 in the CFTR gene. A presumed nomenclature of c.(3963+1_3964-1)_(4136+1_4137-1)dup has been designated for the purposes of this classification. It is assumed to be a tandem duplication in direct orientation (Richardson_GIM_2018, Newman_AJHG_2015). This Copy Number Variant (CNV) is expected to alter the reading frame and predicted to result in a truncation or absence of the encoded protein due to nonsense mediated decay (NMD). The variant was absent in 21446 control chromosomes. The available data on variant occurrences in the general population are insufficient to allow any conclusion about variant significance. To our knowledge, no occurrence of c.(3963+1_3964-1)_(4136+1_4137-1)dup in individuals affected with Cystic Fibrosis and no experimental evidence demonstrating its impact on protein function have been reported. No submitters have cited clinical-significance assessments for this variant to ClinVar after 2014. Based on the evidence outlined above, the variant was classified as likely pathogenic.

NC_000007.13:g.(117292986_117304741)_(117304915_117305512)dup

Gene: CFTR (CF transmembrane conductance regulator; plus strand). Cytogenetic location: 7q31.2.
Variant type: Duplication.
Identifiers: ClinVar variation 2682341 (VCV002682341.1).